The following is an entry in ClinVar:

ClinVar aggregate classification (germline): Conflicting classifications of pathogenicity. Review status: criteria provided, conflicting classifications (1 of 4 stars). 4 submissions from 4 submitters: Likely pathogenic (2); Uncertain significance (1). 1 of the submissions does not count toward it. Last evaluated 2025-08-14.

Conditions:
Primary hyperoxaluria type 3. Also called: PH III. Identifiers: Orphanet 416, Orphanet 93600, MedGen C3150878, MONDO:0013327, OMIM 613616. Disease mechanism: loss of function.

Allele frequency attached by ClinVar (database versions not stated): ExAC 0.00001.

Submissions (4):

Myriad Genetics, Inc.
Classification: Uncertain significance for Primary hyperoxaluria type 3. Last evaluated: 2025-08-14. Review status: criteria provided, single submitter. Criteria: Myriad Autosomal Dominant, Autosomal Recessive and X-Linked Classification Criteria (2023). Collection method: clinical testing. Allele origin: unknown.
Comment: NM_138413.3(HOGA1):c.251T>C(L84P) is a missense variant classified as a variant of uncertain significance in the context of primary hyperoxaluria type 3. L84P has been observed in a case with relevant disease (PMID: 29705963). Relevant functional assessments of this variant are not available in the literature. L84P has been observed in referenced population frequency databases. In summary, there is insufficient evidence to classify NM_138413.3(HOGA1):c.251T>C(L84P) as pathogenic or benign. Please note: this variant was assessed in the context of healthy population screening.

Labcorp Genetics (formerly Invitae), Labcorp
Classification: Likely pathogenic. Last evaluated: 2023-11-06. Review status: criteria provided, single submitter. Criteria: Invitae Variant Classification Sherloc (09022015). Collection method: clinical testing. Allele origin: germline.
Comment: This sequence change replaces leucine, which is neutral and non-polar, with proline, which is neutral and non-polar, at codon 84 of the HOGA1 protein (p.Leu84Pro). This variant is present in population databases (rs776628325, gnomAD 0.0009%). This missense change has been observed in individual(s) with primary hyperoxaluria type 3 (PMID: 29705963). Advanced modeling of protein sequence and biophysical properties (such as structural, functional, and spatial information, amino acid conservation, physicochemical variation, residue mobility, and thermodynamic stability) performed at Invitae indicates that this missense variant is expected to disrupt HOGA1 protein function with a positive predictive value of 95%. In summary, the currently available evidence indicates that the variant is pathogenic, but additional data are needed to prove that conclusively. Therefore, this variant has been classified as Likely Pathogenic.

Clinical Biochemistry Laboratory, Health Services Laboratory
Classification: Likely pathogenic for Primary hyperoxaluria type 3. Last evaluated: 2023-10-27. Review status: criteria provided, single submitter. Criteria: ACMG Guidelines, 2015. Collection method: curation. Allele origin: germline. Affected: yes.
Comment: ACMG:PS5 PM2 PM3

Chinese Inherited Urolithiasis Consortium, The Affiliated Yantai Yuhuangding Hospital of Qingdao University
Classification: Likely pathogenic for Primary hyperoxaluria type 3. Last evaluated: 2024-08-26. Review status: no assertion criteria provided. Collection method: clinical testing. Allele origin: paternal. Affected: yes. Observed: 1 variant allele. Not counted in ClinVar's aggregate classification.

Literature cited by the submitters: PubMed 29705963 (cited by 3 submitters).

NM_138413.4(HOGA1):c.251T>C (p.Leu84Pro)

Gene: HOGA1 (4-hydroxy-2-oxoglutarate aldolase 1; plus strand). Cytogenetic location: 10q24.2.
Variant type: single nucleotide variant.
Coding change: c.251T>C on transcript NM_138413.4 (MANE Select); coding-DNA position 251, T replaced by C.
Protein change: p.Leu84Pro; replaces leucine 84 with proline.
Molecular consequence: missense variant. On other transcripts: intron variant (1).
Genome position (GRCh38, 1-based): chr10:97,598,814, T>C. VCF-style: chr10-97598814-T-C. GRCh37 (hg19) VCF-style: chr10-99358571-T-C.
Other names: c.212-3043T>C (NM_001134670.2); short protein forms L84P.
Identifiers: ClinVar variation 2664386 (VCV002664386.7), dbSNP rs776628325, ClinGen allele CA5634031.